The following is an entry in ClinVar:

ClinVar aggregate classification (germline): Likely benign. Review status: criteria provided, multiple submitters, no conflicts (2 of 4 stars). 6 submissions from 4 submitters: Likely benign (6). Last evaluated 2025-03-07.

Conditions:
Pallister-Hall syndrome (PHS). Also called: HYPOTHALAMIC HAMARTOBLASTOMA, HYPOPITUITARISM, IMPERFORATE ANUS, AND POSTAXIAL POLYDACTYLY; GLI3-Related Pallister-Hall Syndrome. Identifiers: Orphanet 672, MedGen C0265220, MONDO:0007804, OMIM 146510.
Greig cephalopolysyndactyly syndrome (GCPS). Also called: POLYSYNDACTYLY WITH PECULIAR SKULL SHAPE; GLI3-Related Greig Cephalopolysyndactyly Syndrome; Greig syndrome. Identifiers: Orphanet 380, MedGen C0265306, MONDO:0008287, OMIM 175700.
Polydactyly, postaxial, type A1. Identifiers: MedGen C4282400, MONDO:0008266, OMIM 174200.
Polysyndactyly 4. Also called: Polysyndactyly uncomplicated; Preaxial polydactyly 4. Identifiers: Orphanet 93338, MedGen C1868111, MONDO:0008272, OMIM 174700.
Polydactyly. Also called: polydactylism. Identifiers: MedGen C0152427, MONDO:0021003, OMIM 603596, HP:0010442.

Allele frequency attached by ClinVar (database versions not stated): ExAC 0.00002; gnomAD exomes 0.00003 and 0.00010; TOPMed 0.00006; ESP Exome Variant Server 0.00008; gnomAD 0.00009; 1000 Genomes Project 30x 0.00016; 1000 Genomes Project 0.00020.
gnomAD v4.1: 156 of 1,613,122 alleles (0.0097%); highest among the groups gnomAD compares: Non-Finnish European, 0.012%; no homozygotes.

Submissions (6):

Labcorp Genetics (formerly Invitae), Labcorp
Classification: Likely benign for Pallister-Hall syndrome; Greig cephalopolysyndactyly syndrome. Last evaluated: 2025-03-07. Review status: criteria provided, single submitter. Criteria: Invitae Variant Classification Sherloc (09022015). Collection method: clinical testing. Allele origin: germline.

Blueprint Genetics
Classification: Likely benign. Last evaluated: 2022-11-08. Review status: criteria provided, single submitter. Criteria: ACMG Guidelines, 2015. Collection method: clinical testing. Allele origin: germline.

Fulgent Genetics
Classification: Likely benign for Pallister-Hall syndrome; Polydactyly, postaxial, type A1; Polysyndactyly 4; Greig cephalopolysyndactyly syndrome. Last evaluated: 2022-03-22. Review status: criteria provided, single submitter. Criteria: ACMG Guidelines, 2015. Collection method: clinical testing. Allele origin: unknown.

Illumina Laboratory Services, Illumina
Classification: Likely benign for Greig cephalopolysyndactyly syndrome. Last evaluated: 2018-01-13. Review status: criteria provided, single submitter. Criteria: ICSL Variant Classification Criteria 13 December 2019. Collection method: clinical testing. Allele origin: germline.
Comment: This variant was observed in the ICSL laboratory as part of a predisposition screen in an ostensibly healthy population. It had not been previously curated by ICSL or reported in the Human Gene Mutation Database (HGMD: prior to June 1st, 2018), and was therefore a candidate for classification through an automated scoring system. Utilizing variant allele frequency, disease prevalence and penetrance estimates, and inheritance mode, an automated score was calculated to assess if this variant is too frequent to cause the disease. Based on the score and internal cut-off values, a variant classified as likely benign is not then subjected to further curation. The score for this variant resulted in a classification of likely benign for this disease.

Illumina Laboratory Services, Illumina
Classification: Likely benign for Polydactyly. Last evaluated: 2018-01-13. Review status: criteria provided, single submitter. Criteria: ICSL Variant Classification Criteria 13 December 2019. Collection method: clinical testing. Allele origin: germline.
Comment: the same text as in the submission from Illumina Laboratory Services, Illumina above.

Illumina Laboratory Services, Illumina
Classification: Likely benign for Pallister-Hall syndrome. Last evaluated: 2018-01-13. Review status: criteria provided, single submitter. Criteria: ICSL Variant Classification Criteria 13 December 2019. Collection method: clinical testing. Allele origin: germline.
Comment: the same text as in the submission from Illumina Laboratory Services, Illumina above.

NM_000168.6(GLI3):c.4533C>T (p.Asp1511=)

Gene: GLI3 (GLI family zinc finger 3; minus strand). Cytogenetic location: 7p14.1.
Variant type: single nucleotide variant.
Coding change: c.4533C>T on transcript NM_000168.6 (MANE Select); coding-DNA position 4533, C replaced by T.
Protein change: p.Asp1511=; no amino-acid change (aspartic acid 1511 retained).
Molecular consequence: synonymous variant.
Genome position (GRCh38, 1-based): chr7:41,964,540, G>A on the plus strand (C>T on the coding strand, the complement: GLI3 is on the minus strand). VCF-style: chr7-41964540-G-A. GRCh37 (hg19) VCF-style: chr7-42004138-G-A.
Identifiers: ClinVar variation 360221 (VCV000360221.15), dbSNP rs145513625, ClinGen allele CA4230117.